The following is an entry in ClinVar:

NM_017617.5(NOTCH1):c.1760T>A (p.Phe587Tyr)

Gene: NOTCH1 (notch receptor 1; minus strand). Cytogenetic location: 9q34.3.
Variant type: single nucleotide variant.
Coding change: c.1760T>A on transcript NM_017617.5 (MANE Select); coding-DNA position 1760, T replaced by A.
Protein change: p.Phe587Tyr; replaces phenylalanine 587 with tyrosine.
Molecular consequence: missense variant.
Genome position (GRCh38, 1-based): chr9:136,515,626, A>T on the plus strand (T>A on the coding strand, the complement: NOTCH1 is on the minus strand). VCF-style: chr9-136515626-A-T. GRCh37 (hg19) VCF-style: chr9-139410078-A-T.
Other names: short protein forms F587Y.
Identifiers: ClinVar variation 839829 (VCV000839829.12), dbSNP rs771440130, ClinGen allele CA5341633.

ClinVar aggregate classification (germline): Uncertain significance. Review status: criteria provided, multiple submitters, no conflicts (2 of 4 stars). 4 submissions from 3 submitters: Uncertain significance (4). Last evaluated 2022-03-15.

Conditions:
Adams-Oliver syndrome 5 (AOS5). Identifiers: Orphanet 974, MedGen C4014970, MONDO:0014459, OMIM 616028.
Aortic valve disease 1 (AOVD1). Identifiers: MedGen C3887892, MONDO:0024523, OMIM 109730.

Allele frequency attached by ClinVar (database versions not stated): gnomAD 0.00001; TOPMed 0.00002.
gnomAD v4.1: 2 of 1,604,492 alleles (0.00012%); highest among the groups gnomAD compares: African/African-American, 0.0027%; no homozygotes.

Submissions (4):

Genome-Nilou Lab
Classification: Uncertain significance for Adams-Oliver syndrome 5. Last evaluated: 2022-03-15. Review status: criteria provided, single submitter. Criteria: ACMG Guidelines, 2015. Collection method: clinical testing. Allele origin: germline. Affected: no.

Genome-Nilou Lab
Classification: Uncertain significance for Aortic valve disease 1. Last evaluated: 2022-03-15. Review status: criteria provided, single submitter. Criteria: ACMG Guidelines, 2015. Collection method: clinical testing. Allele origin: germline. Affected: no.

GeneDx
Classification: Uncertain significance. Last evaluated: 2020-02-14. Review status: criteria provided, single submitter. Criteria: GeneDx Variant Classification Process June 2021. Collection method: clinical testing. Allele origin: germline. Affected: yes.
Comment: Has not been previously published as pathogenic or benign to our knowledge; Not observed in large population cohorts (Lek et al., 2016); In silico analysis supports that this missense variant does not alter protein structure/function

Labcorp Genetics (formerly Invitae), Labcorp
Classification: Uncertain significance for Adams-Oliver syndrome 5. Last evaluated: 2019-04-18. Review status: criteria provided, single submitter. Criteria: Invitae Variant Classification Sherloc (09022015). Collection method: clinical testing. Allele origin: germline.
Comment: In summary, the available evidence is currently insufficient to determine the role of this variant in disease. Therefore, it has been classified as a Variant of Uncertain Significance. This sequence change replaces phenylalanine with tyrosine at codon 587 of the NOTCH1 protein (p.Phe587Tyr). The phenylalanine residue is highly conserved and there is a small physicochemical difference between phenylalanine and tyrosine. The frequency data for this variant in the population databases is considered unreliable, as metrics indicate poor data quality at this position in the ExAC database. This variant has not been reported in the literature in individuals with NOTCH1-related conditions. Algorithms developed to predict the effect of missense changes on protein structure and function are either unavailable or do not agree on the potential impact of this missense change (SIFT: "Deleterious"; PolyPhen-2: "Probably Damaging"; Align-GVGD: "Class C0").